The following is an entry in ClinVar:

ClinVar aggregate classification (germline): Uncertain significance (1 of 4 stars; one submission).

Conditions:
Charcot-Marie-Tooth disease type 2. Also called: Charcot-Marie-Tooth type 2. Identifiers: Orphanet 64746, MedGen C0270914, MONDO:0018993.

Allele frequency attached by ClinVar (database versions not stated): ExAC 0.00004; gnomAD 0.00005; TOPMed 0.00005; gnomAD exomes 0.00006 and 0.00004.
gnomAD v4.1: 92 of 1,614,020 alleles (0.0057%); highest among the groups gnomAD compares: Non-Finnish European, 0.0073%; no homozygotes.

Submission:

Labcorp Genetics (formerly Invitae), Labcorp
Classification: Uncertain significance for Charcot-Marie-Tooth disease type 2. Last evaluated: 2023-09-15. Review status: criteria provided, single submitter. Criteria: Invitae Variant Classification Sherloc (09022015). Collection method: clinical testing. Allele origin: germline.
Comment: This missense change has been observed in individual(s) with clinical features of BSCL2-related conditions (PMID: 32041611). ClinVar contains an entry for this variant (Variation ID: 576872). An algorithm developed to predict the effect of missense changes on protein structure and function (PolyPhen-2) suggests that this variant is likely to be disruptive. In summary, the available evidence is currently insufficient to determine the role of this variant in disease. Therefore, it has been classified as a Variant of Uncertain Significance. This variant is present in population databases (rs760470794, gnomAD 0.007%). This sequence change replaces tyrosine, which is neutral and polar, with cysteine, which is neutral and slightly polar, at codon 225 of the BSCL2 protein (p.Tyr225Cys).

Literature cited by the submitters: PubMed 32041611.

NM_001122955.4(BSCL2):c.866A>G (p.Tyr289Cys)

Genes: HNRNPUL2-BSCL2 (HNRNPUL2-BSCL2 readthrough (NMD candidate); minus strand), BSCL2 (BSCL2 lipid droplet biogenesis associated, seipin; minus strand). Cytogenetic location: 11q12.3.
Variant type: single nucleotide variant.
Coding change: c.866A>G on transcript NM_001122955.4 (MANE Select); coding-DNA position 866, A replaced by G.
Protein change: p.Tyr289Cys; replaces tyrosine 289 with cysteine.
Molecular consequence: missense variant. On other transcripts: non-coding transcript variant (1), intron variant (1).
Genome position (GRCh38, 1-based): chr11:62,691,419, T>C on the plus strand (A>G on the coding strand, the complement: BSCL2 is on the minus strand). VCF-style: chr11-62691419-T-C. GRCh37 (hg19) VCF-style: chr11-62458891-T-C.
Other names: c.866A>G, p.Tyr289Cys (NM_001386027.1, NM_001386028.1); c.674A>G, p.Tyr225Cys (NM_032667.6); c.672-278A>G (NM_001130702.2); short protein forms Y225C, Y289C.
Identifiers: ClinVar variation 576872 (VCV000576872.10), dbSNP rs760470794, ClinGen allele CA6053419.